The following is an entry in ClinVar:

NM_032043.3(BRIP1):c.1909G>C (p.Ala637Pro)

Gene: BRIP1 (BRCA1 interacting DNA helicase 1; minus strand). Cytogenetic location: 17q23.2.
Variant type: single nucleotide variant.
Coding change: c.1909G>C on transcript NM_032043.3 (MANE Select); coding-DNA position 1909, G replaced by C.
Protein change: p.Ala637Pro; replaces alanine 637 with proline.
Molecular consequence: missense variant.
Genome position (GRCh38, 1-based): chr17:61,780,287, C>G on the plus strand (G>C on the coding strand, the complement: BRIP1 is on the minus strand). VCF-style: chr17-61780287-C-G. GRCh37 (hg19) VCF-style: chr17-59857648-C-G.
Other names: c.1909G>C (NM_032043.2); short protein forms A637P.
Identifiers: ClinVar variation 1477096 (VCV001477096.8), dbSNP rs541203428, ClinGen allele CA400479251.

ClinVar aggregate classification (germline): Uncertain significance. Review status: criteria provided, multiple submitters, no conflicts (2 of 4 stars). 2 submissions from 2 submitters: Uncertain significance (2). Last evaluated 2026-07-07.

Conditions:
Familial cancer of breast. Also called: Hereditary breast cancer; BREAST CANCER, FAMILIAL; hereditary breast carcinoma. Identifiers: Orphanet 227535, MedGen C0346153, MONDO:0016419, OMIM 114480. Disease mechanism: loss of function.
Fanconi anemia complementation group J. Also called: BRIP1-Related Fanconi Anemia. Identifiers: Orphanet 84, MedGen C1836860, MONDO:0012187, OMIM 609054.
Hereditary cancer-predisposing syndrome. Also called: Hereditary Cancer Syndrome; Tumor predisposition; Neoplastic Syndromes, Hereditary; Hereditary neoplastic syndrome. Identifiers: Orphanet 140162, MedGen C0027672, MeSH D009386, MONDO:0015356.

Submissions (2):

Ambry Genetics
Classification: Uncertain significance for Hereditary cancer-predisposing syndrome. Last evaluated: 2026-07-07. Review status: criteria provided, single submitter. Criteria: Ambry Variant Classification Scheme 2023. Collection method: clinical testing. Allele origin: germline.
Comment: The p.A637P variant (also known as c.1909G>C), located in coding exon 12 of the BRIP1 gene, results from a G to C substitution at nucleotide position 1909. The alanine at codon 637 is replaced by proline, an amino acid with highly similar properties. This amino acid position is conserved. In addition, this alteration is predicted to be deleterious by in silico analysis. Based on the available evidence, the clinical significance of this variant remains unclear.

Labcorp Genetics (formerly Invitae), Labcorp
Classification: Uncertain significance for Familial cancer of breast; Fanconi anemia complementation group J. Last evaluated: 2022-06-09. Review status: criteria provided, single submitter. Criteria: Invitae Variant Classification Sherloc (09022015). Collection method: clinical testing. Allele origin: germline.
Comment: This sequence change replaces alanine, which is neutral and non-polar, with proline, which is neutral and non-polar, at codon 637 of the BRIP1 protein (p.Ala637Pro). In summary, the available evidence is currently insufficient to determine the role of this variant in disease. Therefore, it has been classified as a Variant of Uncertain Significance. Algorithms developed to predict the effect of missense changes on protein structure and function are either unavailable or do not agree on the potential impact of this missense change (SIFT: "Deleterious"; PolyPhen-2: "Probably Damaging"; Align-GVGD: "Class C0"). This variant has not been reported in the literature in individuals affected with BRIP1-related conditions. This variant is not present in population databases (gnomAD no frequency).